The following is an entry in ClinVar:

NM_021729.6(VPS11):c.1709A>T (p.Asp570Val)

Gene: VPS11 (VPS11 core subunit of CORVET and HOPS complexes; plus strand). Cytogenetic location: 11q23.3.
Variant type: single nucleotide variant.
Coding change: c.1709A>T on transcript NM_021729.6 (MANE Select); coding-DNA position 1709, A replaced by T.
Protein change: p.Asp570Val; replaces aspartic acid 570 with valine.
Molecular consequence: missense variant. On other transcripts: non-coding transcript variant (8).
Genome position (GRCh38, 1-based): chr11:119,078,014, A>T. VCF-style: chr11-119078014-A-T. GRCh37 (hg19) VCF-style: chr11-118948724-A-T.
Other names: c.1679A>T, p.Asp560Val (NM_001290185.2); c.1721A>T, p.Asp574Val (NM_001378218.1, NM_001378219.1); c.1694A>T, p.Asp565Val (NM_001378220.1); c.1691A>T, p.Asp564Val (NM_001378221.1); short protein forms D560V, D565V, D564V, D574V, D570V.
Identifiers: ClinVar variation 5007798 (VCV005007798.2).

ClinVar aggregate classification (germline): Uncertain significance (1 of 4 stars; one submission).

Conditions:
Leukodystrophy, hypomyelinating, 12. Identifiers: Orphanet 466934, MedGen C4225247, MONDO:0014732, OMIM 616683.
Dystonia 32. Identifiers: MedGen C5562029, MONDO:0030486, OMIM 619637.

gnomAD v4.1: 11 of 1,613,342 alleles (0.00068%); highest among the groups gnomAD compares: East Asian, 0.024%; no homozygotes.

Submission:

Juno Genomics, Hangzhou Juno Genomics, Inc
Classification: Uncertain significance for Dystonia 32; Leukodystrophy, hypomyelinating, 12. Review status: criteria provided, single submitter. Criteria: ACMG Guidelines, 2015. Collection method: clinical testing. Allele origin: germline.
Comment: Absent from controls (or at extremely low frequency if recessive) in Genome Aggregation Database.